The following is an entry in ClinVar:

ClinVar aggregate classification (germline): Uncertain significance (1 of 4 stars; one submission).

gnomAD v4.1: 2 of 1,614,112 alleles (0.00012%); highest among the groups gnomAD compares: Non-Finnish European, 0.00017%; no homozygotes.

Submission:

Labcorp Genetics (formerly Invitae), Labcorp
Classification: Uncertain significance. Last evaluated: 2020-09-08. Review status: criteria provided, single submitter. Criteria: Invitae Variant Classification Sherloc (09022015). Collection method: clinical testing. Allele origin: germline.
Comment: In summary, the available evidence is currently insufficient to determine the role of this variant in disease. Therefore, it has been classified as a Variant of Uncertain Significance. Algorithms developed to predict the effect of missense changes on protein structure and function are either unavailable or do not agree on the potential impact of this missense change (SIFT: "Tolerated"; PolyPhen-2: "Probably Damaging"; Align-GVGD: "Class C0"). This variant has not been reported in the literature in individuals with POLE-related conditions. This variant is not present in population databases (ExAC no frequency). This sequence change replaces glycine with alanine at codon 628 of the POLE protein (p.Gly628Ala). The glycine residue is highly conserved and there is a small physicochemical difference between glycine and alanine.

NM_006231.4(POLE):c.1883G>C (p.Gly628Ala)

Gene: POLE (DNA polymerase epsilon, catalytic subunit; minus strand). Cytogenetic location: 12q24.33.
Variant type: single nucleotide variant.
Coding change: c.1883G>C on transcript NM_006231.4 (MANE Select); coding-DNA position 1883, G replaced by C.
Protein change: p.Gly628Ala; replaces glycine 628 with alanine.
Molecular consequence: missense variant.
Genome position (GRCh38, 1-based): chr12:132,668,851, C>G on the plus strand (G>C on the coding strand, the complement: POLE is on the minus strand). VCF-style: chr12-132668851-C-G. GRCh37 (hg19) VCF-style: chr12-133245437-C-G.
Other names: short protein forms G628A.
Identifiers: ClinVar variation 1000880 (VCV001000880.8), dbSNP rs769889052, ClinGen allele CA387355348.
Genomic context (GRCh38, chr12:132,668,851, plus strand): 5'-CACGGGAAGTAAAGTCTCACCTGCAGGCGGTTGGTCAGGATGATGTTGGGGTACATGGCC[C>G]CCACGTCCAGGTGGTAGATGAGTGGACACTCGATGCGGCTGGGAACGTCCTTCAGGGAGG-3'
Protein context (NP_006222.2, residues 618-638): ECPLIYHLDV[Gly628Ala]AMYPNIILTN